The following is an entry in ClinVar:

ClinVar aggregate classification (germline): Uncertain significance (1 of 4 stars; one submission).

Submission:

GeneDx
Classification: Uncertain significance. Last evaluated: 2022-12-13. Review status: criteria provided, single submitter. Criteria: GeneDx Variant Classification Process June 2021. Collection method: clinical testing. Allele origin: germline. Affected: yes.
Comment: Not observed at significant frequency in large population cohorts (gnomAD); In silico analysis supports that this missense variant has a deleterious effect on protein structure/function; Has not been previously published as pathogenic or benign to our knowledge; This variant is associated with the following publications: (PMID: 18409179)

NM_000489.6(ATRX):c.5287A>G (p.Asn1763Asp)

Gene: ATRX (ATRX chromatin remodeler; minus strand). Cytogenetic location: Xq21.1.
Variant type: single nucleotide variant.
Coding change: c.5287A>G on transcript NM_000489.6 (MANE Select); coding-DNA position 5287, A replaced by G.
Protein change: p.Asn1763Asp; replaces asparagine 1763 with aspartic acid.
Molecular consequence: missense variant.
Genome position (GRCh38, 1-based): chrX:77,618,967, T>C on the plus strand (A>G on the coding strand, the complement: ATRX is on the minus strand). VCF-style: chrX-77618967-T-C. GRCh37 (hg19) VCF-style: chrX-76874435-T-C.
Other names: c.5173A>G, p.Asn1725Asp (NM_138270.5); short protein forms N1725D, N1763D.
Identifiers: ClinVar variation 2506800 (VCV002506800.1), dbSNP rs2148260821, ClinGen allele CA413701153.